The following is an entry in ClinVar:

NM_145649.5(GCNT2):c.729C>T (p.Tyr243=)

Gene: GCNT2 (glucosaminyl (N-acetyl) transferase 2 (I blood group); plus strand). Cytogenetic location: 6p24.3.
Variant type: single nucleotide variant.
Coding change: c.729C>T on transcript NM_145649.5 (MANE Select); coding-DNA position 729, C replaced by T.
Protein change: p.Tyr243=; no amino-acid change (tyrosine 243 retained).
Molecular consequence: synonymous variant.
Genome position (GRCh38, 1-based): chr6:10,529,640, C>T. VCF-style: chr6-10529640-C-T. GRCh37 (hg19) VCF-style: chr6-10529873-C-T.
Other names: c.729C>T, p.Tyr243= (NM_001374747.1).
Identifiers: ClinVar variation 3052002 (VCV003052002.2), dbSNP rs373886978, ClinGen allele CA3631815.
Genomic context (GRCh38, chr6:10,529,640, plus strand): 5'-CCACGCTGTTGGACGGACTAAATACGTCCACCAAGAACTGTTAAACCACAAAAATTCCTA[C>T]GTGATTAAAACAACAAAATTAAAAACTCCTCCTCCTCATGACATGGTGATTTACTTTGGC-3'
Protein context (NP_663624.1, residues 233-253): HQELLNHKNS[Tyr243=]VIKTTKLKTP

ClinVar aggregate classification (germline): Likely benign (0 of 4 stars; one submission).

Conditions:
GCNT2-related disorder. Also called: GCNT2-related condition.

Allele frequency attached by ClinVar (database versions not stated): ExAC 0.00012; gnomAD exomes 0.00012; ESP Exome Variant Server 0.00015; gnomAD 0.00022; TOPMed 0.00029.
gnomAD v4.1: 216 of 1,613,990 alleles (0.013%); highest among the groups gnomAD compares: African/African-American, 0.057%; no homozygotes.

Submission:

PreventionGenetics, part of Exact Sciences
Classification: Likely benign for GCNT2-related condition. Last evaluated: 2021-11-04. Review status: no assertion criteria provided. Collection method: clinical testing. Allele origin: germline.
Comment: This variant is classified as likely benign based on ACMG/AMP sequence variant interpretation guidelines (Richards et al. 2015 PMID: 25741868, with internal and published modifications).